The following is an entry in ClinVar:

ClinVar aggregate classification (germline): Uncertain significance. Review status: criteria provided, multiple submitters, no conflicts (2 of 4 stars). 5 submissions from 5 submitters: Uncertain significance (5). Last evaluated 2024-08-11.

Conditions:
Joubert syndrome 1 (JBTS1). Also called: Cerebellooculorenal syndrome 1; CEREBELLOPARENCHYMAL DISORDER IV. Identifiers: MedGen C4551568, MONDO:0008944, OMIM 213300.
MORM syndrome (MORMS). Identifiers: Orphanet 75858, MedGen C1857802, MONDO:0012423, OMIM 610156.
Joubert syndrome. Also called: JOUBERT-BOLTSHAUSER SYNDROME; Familial aplasia of the vermis. Identifiers: Orphanet 475, MedGen C5979921, MONDO:0018772.
Inborn genetic diseases. Identifiers: MedGen C0950123, MeSH D030342.

Allele frequency attached by ClinVar (database versions not stated): gnomAD 0.00001; TOPMed 0.00001.

Submissions (5):

Blueprint Genetics
Classification: Uncertain significance. Last evaluated: 2024-08-11. Review status: criteria provided, single submitter. Criteria: ACMG Guidelines, 2015. Collection method: clinical testing. Allele origin: germline.

Ambry Genetics
Classification: Uncertain significance for Inborn genetic diseases. Last evaluated: 2024-03-04. Review status: criteria provided, single submitter. Criteria: Ambry Variant Classification Scheme 2023. Collection method: clinical testing. Allele origin: germline.

Labcorp Genetics (formerly Invitae), Labcorp
Classification: Uncertain significance for Joubert syndrome. Last evaluated: 2022-12-31. Review status: criteria provided, single submitter. Criteria: Invitae Variant Classification Sherloc (09022015). Collection method: clinical testing. Allele origin: germline.
Comment: ClinVar contains an entry for this variant (Variation ID: 866583). This missense change has been observed in individual(s) with retinitis pigmentosa (Invitae). This variant is present in population databases (no rsID available, gnomAD 0.006%). This sequence change replaces proline, which is neutral and non-polar, with leucine, which is neutral and non-polar, at codon 502 of the INPP5E protein (p.Pro502Leu). Algorithms developed to predict the effect of missense changes on protein structure and function output the following: SIFT: "Tolerated"; PolyPhen-2: "Benign"; Align-GVGD: "Class C0". The leucine amino acid residue is found in multiple mammalian species, which suggests that this missense change does not adversely affect protein function. In summary, the available evidence is currently insufficient to determine the role of this variant in disease. Therefore, it has been classified as a Variant of Uncertain Significance.

Fulgent Genetics
Classification: Uncertain significance for Joubert syndrome 1; MORM syndrome. Last evaluated: 2022-01-19. Review status: criteria provided, single submitter. Criteria: ACMG Guidelines, 2015. Collection method: clinical testing. Allele origin: unknown.

Breakthrough Genomics
Classification: Uncertain significance. Review status: criteria provided, single submitter. Criteria: ACMG Guidelines, 2015. Collection method: not provided. Allele origin: germline. Inheritance: Autosomal recessive inheritance. Affected: yes.

NM_019892.6(INPP5E):c.1505C>T (p.Pro502Leu)

Gene: INPP5E (inositol polyphosphate-5-phosphatase E; minus strand). Cytogenetic location: 9q34.3.
Variant type: single nucleotide variant.
Coding change: c.1505C>T on transcript NM_019892.6 (MANE Select); coding-DNA position 1505, C replaced by T.
Protein change: p.Pro502Leu; replaces proline 502 with leucine.
Molecular consequence: missense variant.
Genome position (GRCh38, 1-based): chr9:136,431,868, G>A on the plus strand (C>T on the coding strand, the complement: INPP5E is on the minus strand). VCF-style: chr9-136431868-G-A. GRCh37 (hg19) VCF-style: chr9-139326320-G-A.
Other names: c.1502C>T, p.Pro501Leu (NM_001318502.2); short protein forms P501L, P502L.
Identifiers: ClinVar variation 866583 (VCV000866583.12), dbSNP rs769531967, ClinGen allele CA201638976.